The following is an entry in ClinVar:

ClinVar aggregate classification (germline): Benign (1 of 4 stars; one submission).

gnomAD v4.1: 13,747 of 1,614,158 alleles (0.85%); highest among the groups gnomAD compares: South Asian, 1%; 93 homozygotes.

Submission:

CeGaT Center for Human Genetics Tuebingen
Classification: Benign. Last evaluated: 2024-09-01. Review status: criteria provided, single submitter. Criteria: CeGaT Center For Human Genetics Tuebingen Variant Classification Criteria Version 2. Collection method: clinical testing. Allele origin: germline. Affected: yes. Observed: 1 variant allele.
Comment: ERGIC1: BP4, BP7, BS1, BS2

NM_001031711.3(ERGIC1):c.612G>T (p.Arg204=)

Gene: ERGIC1 (endoplasmic reticulum-golgi intermediate compartment 1; plus strand). Cytogenetic location: 5q35.1.
Variant type: single nucleotide variant.
Coding change: c.612G>T on transcript NM_001031711.3 (MANE Select); coding-DNA position 612, G replaced by T.
Protein change: p.Arg204=; no amino-acid change (arginine 204 retained).
Molecular consequence: synonymous variant.
Genome position (GRCh38, 1-based): chr5:172,932,506, G>T. VCF-style: chr5-172932506-G-T. GRCh37 (hg19) VCF-style: chr5-172359509-G-T.
Identifiers: ClinVar variation 3387834 (VCV003387834.14).
Genomic context (GRCh38, chr5:172,932,506, plus strand): 5'-CCACGACTACATCCTGAAGATTGTGCCCACGGTTTATGAGGACAAGAGTGGCAAGCAGCG[G>T]TACTCCTACCAGTACACGGTGGCCAACAAGGTGCGCGGGCGGTGGCTGGGCCGAGCTGTG-3'
Protein context (NP_001026881.1, residues 194-214): TVYEDKSGKQ[Arg204=]YSYQYTVANK